The following is an entry in ClinVar:

ClinVar aggregate classification (germline): Conflicting classifications of pathogenicity. Review status: criteria provided, conflicting classifications (1 of 4 stars). 8 submissions from 7 submitters: Uncertain significance (7); Likely benign (1). Last evaluated 2026-09-15.

Conditions:
Inborn genetic diseases. Identifiers: MedGen C0950123, MeSH D030342.
Nephronophthisis. Also called: Juvenile Nephronophthisis. Identifiers: Orphanet 655, MedGen C0687120, MONDO:0019005, HP:0000090.
Senior-Loken syndrome 4 (SLSN4). Identifiers: Orphanet 3156, MedGen C1846979, MONDO:0011756, OMIM 606996.
Nephronophthisis 4 (NPHP4). Also called: NEPHRONOPHTHISIS 4, JUVENILE. Identifiers: Orphanet 655, MedGen C1847013, MONDO:0011752, OMIM 606966.
NPHP4-related disorder. Also called: NPHP4-related disorders; NPHP4-related condition. Identifiers: MedGen CN239384.

Allele frequency attached by ClinVar (database versions not stated): gnomAD exomes 0.00003 and 0.00010; ExAC 0.00015; 1000 Genomes Project 30x 0.00016; 1000 Genomes Project 0.00020; gnomAD 0.00023 and 0.00024; TOPMed 0.00028; ESP Exome Variant Server 0.00033.
gnomAD v4.1: 83 of 1,612,298 alleles (0.0051%); highest among the groups gnomAD compares: African/African-American, 0.071%; no homozygotes.

Submissions (8):

PreventionGenetics, part of Exact Sciences
Classification: Uncertain significance for NPHP4-related condition. Last evaluated: 2026-09-15. Review status: criteria provided, single submitter. Criteria: ACMG Guidelines, 2015. Collection method: clinical testing. Allele origin: germline.
Comment: The NPHP4 c.1127C>T variant is predicted to result in the amino acid substitution p.Ser376Leu. To our knowledge, this variant has been reported in an individual with nephropathy (Supplementary Table 3, Doreille et al. 2023. PubMed ID: 36938085); however, a causative variant in another gene was also present in this individual. This variant is reported in 0.096% of alleles in individuals of African descent in gnomAD. Although we suspect that this variant may be benign, at this time, the clinical significance of this variant is uncertain due to the absence of conclusive functional and genetic evidence.

Blueprint Genetics
Classification: Likely benign. Last evaluated: 2024-07-24. Review status: criteria provided, single submitter. Criteria: ACMG Guidelines, 2015. Collection method: clinical testing. Allele origin: germline.

Ambry Genetics
Classification: Uncertain significance for Inborn genetic diseases. Last evaluated: 2024-04-15. Review status: criteria provided, single submitter. Criteria: Ambry Variant Classification Scheme 2023. Collection method: clinical testing. Allele origin: germline.

Fulgent Genetics
Classification: Uncertain significance for Nephronophthisis 4; Senior-Loken syndrome 4. Last evaluated: 2024-02-22. Review status: criteria provided, single submitter. Criteria: ACMG Guidelines, 2015. Collection method: clinical testing. Allele origin: germline.

Labcorp Genetics (formerly Invitae), Labcorp
Classification: Uncertain significance for Nephronophthisis. Last evaluated: 2022-04-10. Review status: criteria provided, single submitter. Criteria: Invitae Variant Classification Sherloc (09022015). Collection method: clinical testing. Allele origin: germline.
Comment: This sequence change replaces serine, which is neutral and polar, with leucine, which is neutral and non-polar, at codon 376 of the NPHP4 protein (p.Ser376Leu). This variant is present in population databases (rs372414566, gnomAD 0.09%). This variant has not been reported in the literature in individuals affected with NPHP4-related conditions. ClinVar contains an entry for this variant (Variation ID: 288535). Algorithms developed to predict the effect of missense changes on protein structure and function output the following: SIFT: "Deleterious"; PolyPhen-2: "Benign"; Align-GVGD: "Class C0". The leucine amino acid residue is found in multiple mammalian species, which suggests that this missense change does not adversely affect protein function. In summary, the available evidence is currently insufficient to determine the role of this variant in disease. Therefore, it has been classified as a Variant of Uncertain Significance.

Illumina Laboratory Services, Illumina
Classification: Uncertain significance for Senior-Loken syndrome 4. Last evaluated: 2018-01-12. Review status: criteria provided, single submitter. Criteria: ICSL Variant Classification Criteria 13 December 2019. Collection method: clinical testing. Allele origin: germline.

Illumina Laboratory Services, Illumina
Classification: Uncertain significance for Nephronophthisis 4. Last evaluated: 2018-01-12. Review status: criteria provided, single submitter. Criteria: ICSL Variant Classification Criteria 13 December 2019. Collection method: clinical testing. Allele origin: germline.

Eurofins Ntd Llc (ga)
Classification: Uncertain significance. Last evaluated: 2016-06-13. Review status: criteria provided, single submitter. Criteria: EGL Classification Definitions 2015. Collection method: clinical testing. Allele origin: germline. Observed: 1 variant allele, 1 heterozygote.

NM_015102.5(NPHP4):c.1127C>T (p.Ser376Leu)

Gene: NPHP4 (nephrocystin 4; minus strand). Cytogenetic location: 1p36.31.
Variant type: single nucleotide variant.
Coding change: c.1127C>T on transcript NM_015102.5 (MANE Select); coding-DNA position 1127, C replaced by T.
Protein change: p.Ser376Leu; replaces serine 376 with leucine.
Molecular consequence: missense variant. On other transcripts: 5 prime UTR variant (2), non-coding transcript variant (1).
Genome position (GRCh38, 1-based): chr1:5,933,322, G>A on the plus strand (C>T on the coding strand, the complement: NPHP4 is on the minus strand). VCF-style: chr1-5933322-G-A. GRCh37 (hg19) VCF-style: chr1-5993382-G-A.
Other names: c.-240C>T (NM_001291593.2, NM_001291594.2); c.1127C>T (NM_015102.4); short protein forms S376L.
Identifiers: ClinVar variation 288535 (VCV000288535.19), dbSNP rs372414566, ClinGen allele CA554615.